The following is an entry in ClinVar:

ClinVar aggregate classification (germline): Likely pathogenic (1 of 4 stars; one submission).

Conditions:
Familial dysautonomia. Also called: HSAN III; FD. Identifiers: Orphanet 1764, MedGen C0013364, MONDO:0009131, OMIM 223900. Disease mechanism: loss of function.

Submission:

Natera, Inc.
Classification: Likely pathogenic for Familial dysautonomia. Last evaluated: 2024-09-23. Review status: criteria provided, single submitter. Criteria: Natera Variant Classification Schema (03/2026). Collection method: clinical testing. Allele origin: germline.
Comment: The c.2131-3_2131-2delinsG variant in ELP1 is a deletion-insertion (delins) variant predicted to replace one or more nucleotides with a different sequence, affecting a canonical splice acceptor site. This variant is expected to result in nonsense mediated decay, truncation, or a dysfunctional protein product. This variant is rare in the general population with a frequency below the threshold expected for the associated phenotype(s). Given the available evidence, this variant is classified as Likely Pathogenic.

NM_003640.5(ELP1):c.2131-3_2131-2delinsG

Gene: ELP1 (elongator acetyltransferase complex subunit 1; minus strand). Cytogenetic location: 9q31.3.
Variant type: Indel.
Coding change: c.2131-3_2131-2delinsG on transcript NM_003640.5 (MANE Select); 3 bases into the intron before coding-DNA position 2131 through the canonical splice acceptor site of the intron before coding-DNA position 2131, AA replaced by G.
Molecular consequence: splice acceptor variant.
Genome position (GRCh38, 1-based): chr9:108,899,897-108,899,898, TT replaced by C on the plus strand (AA replaced by G on the coding strand, the reverse complement: ELP1 is on the minus strand). VCF-style: chr9-108899897-TT-C. GRCh37 (hg19) VCF-style: chr9-111662177-TT-C.
Other names: c.1789-3_1789-2delinsG (NM_001318360.2); c.1084-3_1084-2delinsG (NM_001330749.2).
Identifiers: ClinVar variation 4815186 (VCV004815186.1).